The following is an entry in ClinVar:

ClinVar aggregate classification (germline): Uncertain significance (1 of 4 stars; one submission).

Submission:

Ambry Genetics
Classification: Uncertain significance. Last evaluated: 2023-08-29. Review status: criteria provided, single submitter. Criteria: Ambry Variant Classification Scheme 2023. Collection method: clinical testing. Allele origin: germline.
Comment: The p.V540L variant (also known as c.1618G>C), located in coding exon 11 of the POLQ gene, results from a G to C substitution at nucleotide position 1618. The valine at codon 540 is replaced by leucine, an amino acid with highly similar properties. This amino acid position is conserved. In addition, this alteration is predicted to be tolerated by in silico analysis. Since supporting evidence is limited at this time, the clinical significance of this alteration remains unclear.

NM_199420.4(POLQ):c.1618G>C (p.Val540Leu)

Gene: POLQ (DNA polymerase theta; minus strand). Cytogenetic location: 3q13.33.
Variant type: single nucleotide variant.
Coding change: c.1618G>C on transcript NM_199420.4 (MANE Select); coding-DNA position 1618, G replaced by C.
Protein change: p.Val540Leu; replaces valine 540 with leucine.
Molecular consequence: missense variant.
Genome position (GRCh38, 1-based): chr3:121,510,237, C>G on the plus strand (G>C on the coding strand, the complement: POLQ is on the minus strand). VCF-style: chr3-121510237-C-G. GRCh37 (hg19) VCF-style: chr3-121229084-C-G.
Other names: short protein forms V540L.
Identifiers: ClinVar variation 2625863 (VCV002625863.2), dbSNP rs2546802735, ClinGen allele CA354115321.